The following is an entry in ClinVar:

ClinVar aggregate classification (germline): Uncertain significance (1 of 4 stars; one submission).

gnomAD v4.1: 9 of 1,614,092 alleles (0.00056%); highest among the groups gnomAD compares: Middle Eastern, 0.016%; no homozygotes.

Submission:

CeGaT Center for Human Genetics Tuebingen
Classification: Uncertain significance. Last evaluated: 2026-08-01. Review status: criteria provided, single submitter. Criteria: CeGaT Center For Human Genetics Tuebingen Variant Classification Criteria Version 2. Collection method: clinical testing. Allele origin: germline. Affected: yes. Observed: 1 variant allele.
Comment: YARS1: PM2

NM_003680.4(YARS1):c.1399G>A (p.Val467Met)

Gene: YARS1 (tyrosyl-tRNA synthetase 1; minus strand). Cytogenetic location: 1p35.1.
Variant type: single nucleotide variant.
Coding change: c.1399G>A on transcript NM_003680.4 (MANE Select); coding-DNA position 1399, G replaced by A.
Protein change: p.Val467Met; replaces valine 467 with methionine.
Molecular consequence: missense variant.
Genome position (GRCh38, 1-based): chr1:32,779,459, C>T on the plus strand (G>A on the coding strand, the complement: YARS1 is on the minus strand). VCF-style: chr1-32779459-C-T. GRCh37 (hg19) VCF-style: chr1-33245060-C-T.
Other names: short protein forms V467M.
Identifiers: ClinVar variation 5040503 (VCV005040503.1).